The following is an entry in ClinVar:

ClinVar aggregate classification (germline): Uncertain significance (1 of 4 stars; one submission).

Allele frequency attached by ClinVar (database versions not stated): TOPMed below 0.00001.
gnomAD v4.1: 1 of 1,614,060 alleles (0.000062%); no homozygotes.

Submission:

Labcorp Genetics (formerly Invitae), Labcorp
Classification: Uncertain significance. Last evaluated: 2022-06-10. Review status: criteria provided, single submitter. Criteria: Invitae Variant Classification Sherloc (09022015). Collection method: clinical testing. Allele origin: germline.
Comment: Algorithms developed to predict the effect of missense changes on protein structure and function are either unavailable or do not agree on the potential impact of this missense change (SIFT: "Deleterious"; PolyPhen-2: "Probably Damaging"; Align-GVGD: "Class C0"). In summary, the available evidence is currently insufficient to determine the role of this variant in disease. Therefore, it has been classified as a Variant of Uncertain Significance. This variant has not been reported in the literature in individuals affected with CNGB1-related conditions. This variant is not present in population databases (gnomAD no frequency). This sequence change replaces leucine, which is neutral and non-polar, with proline, which is neutral and non-polar, at codon 751 of the CNGB1 protein (p.Leu751Pro).

NM_001297.5(CNGB1):c.2252T>C (p.Leu751Pro)

Gene: CNGB1 (cyclic nucleotide gated channel subunit beta 1; minus strand). Cytogenetic location: 16q21.
Variant type: single nucleotide variant.
Coding change: c.2252T>C on transcript NM_001297.5 (MANE Select); coding-DNA position 2252, T replaced by C.
Protein change: p.Leu751Pro; replaces leucine 751 with proline.
Molecular consequence: missense variant.
Genome position (GRCh38, 1-based): chr16:57,915,301, A>G on the plus strand (T>C on the coding strand, the complement: CNGB1 is on the minus strand). VCF-style: chr16-57915301-A-G. GRCh37 (hg19) VCF-style: chr16-57949205-A-G.
Other names: c.2234T>C, p.Leu745Pro (NM_001286130.2); short protein forms L751P, L745P.
Identifiers: ClinVar variation 2001304 (VCV002001304.4), dbSNP rs1960834859, ClinGen allele CA396062956.